The following is an entry in ClinVar:

NM_024685.4(BBS10):c.1112G>C (p.Cys371Ser)

Gene: BBS10 (Bardet-Biedl syndrome 10; minus strand). Cytogenetic location: 12q21.2.
Variant type: single nucleotide variant.
Coding change: c.1112G>C on transcript NM_024685.4 (MANE Select); coding-DNA position 1112, G replaced by C.
Protein change: p.Cys371Ser; replaces cysteine 371 with serine.
Molecular consequence: missense variant.
Genome position (GRCh38, 1-based): chr12:76,346,873, C>G on the plus strand (G>C on the coding strand, the complement: BBS10 is on the minus strand). VCF-style: chr12-76346873-C-G. GRCh37 (hg19) VCF-style: chr12-76740653-C-G.
Other names: short protein forms C371S.
Identifiers: ClinVar variation 863110 (VCV000863110.9), dbSNP rs1951763406, ClinGen allele CA385812716.

ClinVar aggregate classification (germline): Uncertain significance (1 of 4 stars; one submission).

Conditions:
Bardet-Biedl syndrome (BBS). Identifiers: Orphanet 110, MedGen C0752166, MONDO:0015229.

Submission:

Labcorp Genetics (formerly Invitae), Labcorp
Classification: Uncertain significance for Bardet-Biedl syndrome. Last evaluated: 2019-12-07. Review status: criteria provided, single submitter. Criteria: Invitae Variant Classification Sherloc (09022015). Collection method: clinical testing. Allele origin: germline.
Comment: This sequence change replaces cysteine with serine at codon 371 of the BBS10 protein (p.Cys371Ser). The cysteine residue is highly conserved and there is a moderate physicochemical difference between cysteine and serine. This variant is not present in population databases (ExAC no frequency). This variant has not been reported in the literature in individuals with BBS10-related conditions. Algorithms developed to predict the effect of missense changes on protein structure and function are either unavailable or do not agree on the potential impact of this missense change (SIFT: "Deleterious"; PolyPhen-2: "Probably Damaging"; Align-GVGD: "Class C0"). In summary, the available evidence is currently insufficient to determine the role of this variant in disease. Therefore, it has been classified as a Variant of Uncertain Significance.